The following is an entry in ClinVar:

NM_001148.6(ANK2):c.3327C>A (p.Phe1109Leu)

Gene: ANK2 (ankyrin 2; plus strand). Cytogenetic location: 4q26.
Variant type: single nucleotide variant.
Coding change: c.3327C>A on transcript NM_001148.6 (MANE Select); coding-DNA position 3327, C replaced by A.
Protein change: p.Phe1109Leu; replaces phenylalanine 1109 with leucine.
Molecular consequence: missense variant.
Genome position (GRCh38, 1-based): chr4:113,333,156, C>A. VCF-style: chr4-113333156-C-A. GRCh37 (hg19) VCF-style: chr4-114254312-C-A.
Other names: c.3225C>A, p.Phe1075Leu (NM_001354236.2); c.3405C>A, p.Phe1135Leu (NM_001354237.2); c.3297C>A, p.Phe1099Leu (NM_001354239.2, NM_001354252.2); c.3372C>A, p.Phe1124Leu (NM_001354240.2, NM_001354241.2, NM_001386144.1); c.3369C>A, p.Phe1123Leu (NM_001354242.2, NM_001354231.2); c.3264C>A, p.Phe1088Leu (NM_001354243.2, NM_001354255.2, NM_001386143.1); c.3261C>A, p.Phe1087Leu (NM_001354244.2, NM_001354256.2, NM_001386161.1); c.3165C>A, p.Phe1055Leu (NM_001354245.2, NM_001354262.2, NM_001354275.2); and 28 more; short protein forms F1022L, F1038L, F1042L, F1064L, F1075L, F1076L, F1087L, F1088L.
Identifiers: ClinVar variation 3708737 (VCV003708737.2).

ClinVar aggregate classification (germline): Uncertain significance (1 of 4 stars; one submission).

Conditions:
Long QT syndrome (LQTS). Identifiers: MedGen C0023976, MeSH D008133, MONDO:0002442. Disease mechanism: loss of function. Inheritance: Various modes of inheritance.

Submission:

Labcorp Genetics (formerly Invitae), Labcorp
Classification: Uncertain significance for Long QT syndrome. Last evaluated: 2024-03-29. Review status: criteria provided, single submitter. Criteria: Invitae Variant Classification Sherloc (09022015). Collection method: clinical testing. Allele origin: germline.
Comment: This sequence change replaces phenylalanine, which is neutral and non-polar, with leucine, which is neutral and non-polar, at codon 1109 of the ANK2 protein (p.Phe1109Leu). This variant is not present in population databases (gnomAD no frequency). This variant has not been reported in the literature in individuals affected with ANK2-related conditions. Advanced modeling of protein sequence and biophysical properties (such as structural, functional, and spatial information, amino acid conservation, physicochemical variation, residue mobility, and thermodynamic stability) performed at Invitae indicates that this missense variant is not expected to disrupt ANK2 protein function with a negative predictive value of 80%. In summary, the available evidence is currently insufficient to determine the role of this variant in disease. Therefore, it has been classified as a Variant of Uncertain Significance.